The following is an entry in ClinVar:

NM_006231.4(POLE):c.3620C>T (p.Pro1207Leu)

Gene: POLE (DNA polymerase epsilon, catalytic subunit; minus strand). Cytogenetic location: 12q24.33.
Variant type: single nucleotide variant.
Coding change: c.3620C>T on transcript NM_006231.4 (MANE Select); coding-DNA position 3620, C replaced by T.
Protein change: p.Pro1207Leu; replaces proline 1207 with leucine.
Molecular consequence: missense variant.
Genome position (GRCh38, 1-based): chr12:132,649,852, G>A on the plus strand (C>T on the coding strand, the complement: POLE is on the minus strand). VCF-style: chr12-132649852-G-A. GRCh37 (hg19) VCF-style: chr12-133226438-G-A.
Other names: short protein forms P1207L.
Identifiers: ClinVar variation 240473 (VCV000240473.17), dbSNP rs144086049, ClinGen allele CA6893155.

ClinVar aggregate classification (germline): Conflicting classifications of pathogenicity. Review status: criteria provided, conflicting classifications (1 of 4 stars). 5 submissions from 5 submitters: Uncertain significance (4); Likely benign (1). Last evaluated 2026-01-21.

Conditions:
POLE-related disorder. Also called: POLE-related disorders; POLE-related condition.
Hereditary cancer-predisposing syndrome. Also called: Tumor predisposition; Neoplastic Syndromes, Hereditary; Hereditary Cancer Syndrome; Hereditary neoplastic syndrome. Identifiers: Orphanet 140162, MedGen C0027672, MeSH D009386, MONDO:0015356.
Colorectal cancer, susceptibility to, 12 (CRCS12). Also called: COLORECTAL CANCER, SUSCEPTIBILITY TO, ON CHROMOSOME 12q24. Identifiers: Orphanet 220460, MedGen C3554460, MONDO:0014038, OMIM 615083.

Allele frequency attached by ClinVar (database versions not stated): gnomAD 0.00005 and 0.00006; gnomAD exomes 0.00005 and 0.00001; TOPMed 0.00009; ExAC 0.00004; ESP Exome Variant Server 0.00023.
gnomAD v4.1: 25 of 1,613,972 alleles (0.0015%); highest among the groups gnomAD compares: African/African-American, 0.016%; no homozygotes.

Submissions (5):

Labcorp Genetics (formerly Invitae), Labcorp
Classification: Uncertain significance. Last evaluated: 2026-01-21. Review status: criteria provided, single submitter. Criteria: Invitae Variant Classification Sherloc (09022015). Collection method: clinical testing. Allele origin: germline.
Comment: This sequence change replaces proline, which is neutral and non-polar, with leucine, which is neutral and non-polar, at codon 1207 of the POLE protein (p.Pro1207Leu). The frequency data for this variant in the population databases is considered unreliable, as metrics indicate poor data quality at this position in the gnomAD database. This variant has not been reported in the literature in individuals affected with POLE-related conditions. ClinVar contains an entry for this variant (Variation ID: 240473). Invitae Evidence Modeling of protein sequence and biophysical properties (such as structural, functional, and spatial information, amino acid conservation, physicochemical variation, residue mobility, and thermodynamic stability) indicates that this missense variant is not expected to disrupt POLE protein function with a negative predictive value of 80%. In summary, the available evidence is currently insufficient to determine the role of this variant in disease. Therefore, it has been classified as a Variant of Uncertain Significance.

St. Jude Molecular Pathology, St. Jude Children's Research Hospital
Classification: Uncertain significance for Colorectal cancer, susceptibility to, 12. Last evaluated: 2025-06-17. Review status: criteria provided, single submitter. Criteria: St. Jude Assertion Criteria 2020. Collection method: clinical testing. Allele origin: germline.
Comment: The POLE c.3620C>T p.(Pro1207Leu) missense change has a maximum subpopulation frequency of 0.04% in gnomAD v2.1.1. The in silico tool REVEL predicts a benign effect on protein function, but to our knowledge this prediction has not been confirmed by functional studies. To our knowledge, this variant has not been reported in the literature in individuals with POLE-related disease. In summary, the evidence currently available is insufficient to determine the clinical significance of this variant. It has therefore been classified as of uncertain significance.

GeneDx
Classification: Uncertain significance. Last evaluated: 2025-05-27. Review status: criteria provided, single submitter. Criteria: GeneDx Variant Classification Process June 2021. Collection method: clinical testing. Allele origin: germline.
Comment: In silico analysis suggests that this missense variant does not alter protein structure/function; Observed in an individual with breast cancer (PMID: 35534704); This variant is associated with the following publications: (PMID: 29056344, 35534704)

Ambry Genetics
Classification: Likely benign for Hereditary cancer-predisposing syndrome. Last evaluated: 2024-10-17. Review status: criteria provided, single submitter. Criteria: Ambry Variant Classification Scheme 2023. Collection method: clinical testing. Allele origin: germline.

PreventionGenetics, part of Exact Sciences
Classification: Uncertain significance for POLE-related condition. Last evaluated: 2022-08-31. Review status: criteria provided, single submitter. Criteria: ACMG Guidelines, 2015. Collection method: clinical testing. Allele origin: germline.
Comment: The POLE c.3620C>T variant is predicted to result in the amino acid substitution p.Pro1207Leu. To our knowledge, this variant has not been reported in the literature. This variant is reported in 0.044% of alleles in individuals of African descent in gnomAD. This variant is listed in ClinVar as uncertain. At this time, the clinical significance of this variant is uncertain due to the absence of conclusive functional and genetic evidence.